The following is an entry in ClinVar:

NM_012388.4(BLOC1S6):c.491dup (p.Leu164fs)

Gene: BLOC1S6 (biogenesis of lysosomal organelles complex 1 subunit 6; plus strand). Cytogenetic location: 15q21.1.
Variant type: Duplication.
Coding change: c.491dup on transcript NM_012388.4 (MANE Select); coding-DNA position 491, one base duplicated (T; older notation c.491dupT).
Protein change: p.Leu164fs; shifts the reading frame from leucine 164.
Molecular consequence: frameshift variant. On other transcripts: 3 prime UTR variant (1), non-coding transcript variant (10).
Genome position (GRCh38, 1-based): chr15:45,606,486, T duplicated; the last of 2 consecutive T bases (chr15:45,606,485-45,606,486); duplicating either gives the same sequence. VCF-style (leftmost placement, unchanged base first): chr15-45606484-G-GT. GRCh37 (hg19) VCF-style: chr15-45898682-G-GT.
Other names: c.506dup, p.Leu169fs (NM_001311255.1); c.*142dup (NM_001311256.1); short protein forms L169fs, L164fs.
Identifiers: ClinVar variation 1038957 (VCV001038957.5), dbSNP rs1350528661, ClinGen allele CA617742661.

ClinVar aggregate classification (germline): Uncertain significance (1 of 4 stars; one submission).

Conditions:
Hermansky-Pudlak syndrome 9 (HPS9). Identifiers: Orphanet 280663, Orphanet 79430, MedGen C3280026, MONDO:0013606, OMIM 614171.

Submission:

Labcorp Genetics (formerly Invitae), Labcorp
Classification: Uncertain significance for Hermansky-Pudlak syndrome 9. Last evaluated: 2021-10-02. Review status: criteria provided, single submitter. Criteria: Invitae Variant Classification Sherloc (09022015). Collection method: clinical testing. Allele origin: germline.
Comment: This variant has not been reported in the literature in individuals with BLOC1S6-related conditions. This sequence change results in a frameshift in the BLOC1S6 gene (p.Leu164Phefs*33). While this is not anticipated to result in nonsense mediated decay, it is expected to disrupt the last 9 amino acids of the BLOC1S6 protein and extend the protein by an additional 23 amino acids. This variant is not present in population databases (ExAC no frequency). Experimental studies and prediction algorithms are not available or were not evaluated, and the functional significance of this variant is currently unknown. In summary, the available evidence is currently insufficient to determine the role of this variant in disease. Therefore, it has been classified as a Variant of Uncertain Significance.